The following is an entry in ClinVar:

NM_004525.3(LRP2):c.3298A>C (p.Asn1100His)

Gene: LRP2 (LDL receptor related protein 2; minus strand). Cytogenetic location: 2q31.1.
Variant type: single nucleotide variant.
Coding change: c.3298A>C on transcript NM_004525.3 (MANE Select); coding-DNA position 3298, A replaced by C.
Protein change: p.Asn1100His; replaces asparagine 1100 with histidine.
Molecular consequence: missense variant.
Genome position (GRCh38, 1-based): chr2:169,244,825, T>G on the plus strand (A>C on the coding strand, the complement: LRP2 is on the minus strand). VCF-style: chr2-169244825-T-G. GRCh37 (hg19) VCF-style: chr2-170101335-T-G.
Other names: short protein forms N1100H.
Identifiers: ClinVar variation 4800309 (VCV004800309.1).
Genomic context (GRCh38, chr2:169,244,825, plus strand): 5'-GGTGATTATCACAGGTGTATTGGGTGTCAAGGCAGGAAGCAGGTGCGTGGGTGGGGCAGT[T>G]GTGCTCATCACTGCCATCCACACAGTCGTTGCGTTTGTCACAGCGCCAGTGTGCAGGAAT-3'
Protein context (NP_004516.2, residues 1090-1110): NDCVDGSDEH[Asn1100His]CPTHAPASCL

ClinVar aggregate classification (germline): Uncertain significance (1 of 4 stars; one submission).

Submission:

Labcorp Genetics (formerly Invitae), Labcorp
Classification: Uncertain significance. Last evaluated: 2026-01-04. Review status: criteria provided, single submitter. Criteria: Invitae Variant Classification Sherloc (09022015). Collection method: clinical testing. Allele origin: germline.
Comment: This sequence change replaces asparagine, which is neutral and polar, with histidine, which is basic and polar, at codon 1100 of the LRP2 protein (p.Asn1100His). This variant is not present in population databases (gnomAD no frequency). This variant has not been reported in the literature in individuals affected with LRP2-related conditions. Invitae Evidence Modeling of protein sequence and biophysical properties (such as structural, functional, and spatial information, amino acid conservation, physicochemical variation, residue mobility, and thermodynamic stability) indicates that this missense variant is not expected to disrupt LRP2 protein function with a negative predictive value of 95%. In summary, the available evidence is currently insufficient to determine the role of this variant in disease. Therefore, it has been classified as a Variant of Uncertain Significance.